The following is an entry in ClinVar:

ClinVar aggregate classification (germline): Uncertain significance. Review status: criteria provided, multiple submitters, no conflicts (2 of 4 stars). 2 submissions from 2 submitters: Uncertain significance (2). Last evaluated 2024-08-07.

Conditions:
Wilson disease (WND). Also called: Wilson's disease. Identifiers: Orphanet 905, MedGen C0019202, MONDO:0010200, OMIM 277900. Disease mechanism: loss of function.
Inborn genetic diseases. Identifiers: MedGen C0950123, MeSH D030342.

Submissions (2):

Ambry Genetics
Classification: Uncertain significance for Inborn genetic diseases. Last evaluated: 2024-08-07. Review status: criteria provided, single submitter. Criteria: Ambry Variant Classification Scheme 2023. Collection method: clinical testing. Allele origin: germline.

Labcorp Genetics (formerly Invitae), Labcorp
Classification: Uncertain significance for Wilson disease. Last evaluated: 2022-08-07. Review status: criteria provided, single submitter. Criteria: Invitae Variant Classification Sherloc (09022015). Collection method: clinical testing. Allele origin: germline.
Comment: This sequence change replaces asparagine, which is neutral and polar, with histidine, which is basic and polar, at codon 812 of the ATP7B protein (p.Asn812His). This variant is not present in population databases (gnomAD no frequency). This variant has not been reported in the literature in individuals affected with ATP7B-related conditions. Advanced modeling of protein sequence and biophysical properties (such as structural, functional, and spatial information, amino acid conservation, physicochemical variation, residue mobility, and thermodynamic stability) performed at Invitae indicates that this missense variant is not expected to disrupt ATP7B protein function. In summary, the available evidence is currently insufficient to determine the role of this variant in disease. Therefore, it has been classified as a Variant of Uncertain Significance.

NM_000053.4(ATP7B):c.2434A>C (p.Asn812His)

Gene: ATP7B (ATPase copper transporting beta; minus strand). Cytogenetic location: 13q14.3.
Variant type: single nucleotide variant.
Coding change: c.2434A>C on transcript NM_000053.4 (MANE Select); coding-DNA position 2434, A replaced by C.
Protein change: p.Asn812His; replaces asparagine 812 with histidine.
Molecular consequence: missense variant.
Genome position (GRCh38, 1-based): chr13:51,957,529, T>G on the plus strand (A>C on the coding strand, the complement: ATP7B is on the minus strand). VCF-style: chr13-51957529-T-G. GRCh37 (hg19) VCF-style: chr13-52531665-T-G.
Other names: c.2434A>C (NM_000053.3); c.2182A>C, p.Asn728His (NM_001406531.1, NM_001406532.1, NM_001406540.1 and 1 more transcripts); c.2200A>C, p.Asn734His (NM_001406534.1, NM_001406538.1, NM_001330578.2 and 2 more transcripts); c.2434A>C, p.Asn812His (NM_001406535.1, NM_001406511.1, NM_001406512.1 and 7 more transcripts); c.2104A>C, p.Asn702His (NM_001406536.1); c.2290A>C, p.Asn764His (NM_001406537.1, NM_001406520.1, NM_001406521.1 and 1 more transcripts); c.2005A>C, p.Asn669His (NM_001406539.1); c.1948A>C, p.Asn650His (NM_001406541.1, NM_001005918.3, NM_001406542.1 and 1 more transcripts); and 8 more; short protein forms N596H, N801H, N618H, N696H, N728H, N812H, N669H, N702H.
Identifiers: ClinVar variation 2112345 (VCV002112345.2), dbSNP rs2547709548, ClinGen allele CA388020181.